The following is an entry in ClinVar:

NM_000824.5(GLRB):c.798_800delinsGATGATGGGGGT (p.Gly267delinsMetMetGlyVal)

Gene: GLRB (glycine receptor beta; plus strand). Cytogenetic location: 4q32.1.
Variant type: Indel.
Coding change: c.798_800delinsGATGATGGGGGT on transcript NM_000824.5 (MANE Select); coding-DNA positions 798 to 800, CGG replaced by GATGATGGGGGT.
Protein change: p.Gly267delinsMetMetGlyVal.
Molecular consequence: inframe indel.
Genome position (GRCh38, 1-based): chr4:157,143,853-157,143,855, CGG replaced by GATGATGGGGGT. VCF-style: chr4-157143853-CGG-GATGATGGGGGT. GRCh37 (hg19) VCF-style: chr4-158065005-CGG-GATGATGGGGGT.
Other names: c.798_800delinsGATGATGGGGGT, p.Gly267delinsMetMetGlyVal (NM_001166060.2, NM_001166061.2).
Identifiers: ClinVar variation 540367 (VCV000540367.5), dbSNP rs1553998291, ClinGen allele CA658796475.
Genomic context (GRCh38, chr4:157,143,853, plus strand): 5'-TTTGCTTCTGAAAGGCTACTACACATGCGTGGAAGTCATCTTCACCCTGAGGAGGCAGGT[CGG>GATGATGGGGGT]CTTTTACATGATGGGGGTCTACGCCCCAACTCTGCTCATTGTTGTTCTCTCCTGGCTTTC-3'

ClinVar aggregate classification (germline): Uncertain significance (1 of 4 stars; one submission).

Conditions:
Hyperekplexia 2 (HKPX2). Identifiers: Orphanet 3197, MedGen C3553291, MONDO:0013828, OMIM 614619.

Submission:

Labcorp Genetics (formerly Invitae), Labcorp
Classification: Uncertain significance for Hyperekplexia 2. Last evaluated: 2025-01-15. Review status: criteria provided, single submitter. Criteria: Invitae Variant Classification Sherloc (09022015). Collection method: clinical testing. Allele origin: germline.
Comment: This variant, c.798_800delinsGATGATGGGGGT, is a complex sequence change that results in the deletion of 1 amino acid and insertion of 4 amino acid(s) in the GLRB protein (p.Gly267delinsMetMetGlyVal). This variant is not present in population databases (gnomAD no frequency). This variant has been observed in individual(s) with hyperekplexia (internal data). In at least one individual the data is consistent with being in trans (on the opposite chromosome) from a pathogenic variant. Experimental studies and prediction algorithms are not available or were not evaluated, and the functional significance of this variant is currently unknown. In summary, the available evidence is currently insufficient to determine the role of this variant in disease. Therefore, it has been classified as a Variant of Uncertain Significance.